The following is an entry in ClinVar:

ClinVar aggregate classification (germline): Uncertain significance (1 of 4 stars; one submission).

gnomAD v4.1: 16 of 1,206,641 alleles (0.0013%); highest among the groups gnomAD compares: South Asian, 0.025%; no homozygotes.

Submission:

Labcorp Genetics (formerly Invitae), Labcorp
Classification: Uncertain significance. Last evaluated: 2025-01-18. Review status: criteria provided, single submitter. Criteria: Invitae Variant Classification Sherloc (09022015). Collection method: clinical testing. Allele origin: germline.
Comment: This sequence change replaces glutamine, which is neutral and polar, with lysine, which is basic and polar, at codon 287 of the PLS3 protein (p.Gln287Lys). This variant is present in population databases (rs782053765, gnomAD 0.02%). This variant has not been reported in the literature in individuals affected with PLS3-related conditions. Invitae Evidence Modeling of protein sequence and biophysical properties (such as structural, functional, and spatial information, amino acid conservation, physicochemical variation, residue mobility, and thermodynamic stability) indicates that this missense variant is not expected to disrupt PLS3 protein function with a negative predictive value of 80%. In summary, the available evidence is currently insufficient to determine the role of this variant in disease. Therefore, it has been classified as a Variant of Uncertain Significance.

NM_005032.7(PLS3):c.859C>A (p.Gln287Lys)

Gene: PLS3 (plastin 3; plus strand). Cytogenetic location: Xq23.
Variant type: single nucleotide variant.
Coding change: c.859C>A on transcript NM_005032.7 (MANE Select); coding-DNA position 859, C replaced by A.
Protein change: p.Gln287Lys; replaces glutamine 287 with lysine.
Molecular consequence: missense variant.
Genome position (GRCh38, 1-based): chrX:115,636,946, C>A. VCF-style: chrX-115636946-C-A. GRCh37 (hg19) VCF-style: chrX-114871258-C-A.
Other names: c.859C>A, p.Gln287Lys (NM_001136025.5); c.778C>A, p.Gln260Lys (NM_001172335.3); c.793C>A, p.Gln265Lys (NM_001282337.2); c.724C>A, p.Gln242Lys (NM_001282338.2); short protein forms Q242K, Q287K, Q260K, Q265K.
Identifiers: ClinVar variation 3699524 (VCV003699524.2).